The following is an entry in ClinVar:

ClinVar aggregate classification (germline): Pathogenic (1 of 4 stars; one submission).

Submission:

Labcorp Genetics (formerly Invitae), Labcorp
Classification: Pathogenic. Last evaluated: 2023-11-25. Review status: criteria provided, single submitter. Criteria: Invitae Variant Classification Sherloc (09022015). Collection method: clinical testing. Allele origin: germline.
Comment: This sequence change creates a premature translational stop signal (p.Lys131Ilefs*15) in the DFNB59 gene. It is expected to result in an absent or disrupted protein product. Loss-of-function variants in DFNB59 are known to be pathogenic (PMID: 17301963, 17718875). This variant is not present in population databases (gnomAD no frequency). This variant has not been reported in the literature in individuals affected with DFNB59-related conditions. ClinVar contains an entry for this variant (Variation ID: 1935986). For these reasons, this variant has been classified as Pathogenic.

Literature cited by the submitters: PubMed 17301963; PubMed 17718875.

NM_001042702.5(PJVK):c.391_392insTA (p.Lys131fs)

Gene: PJVK (pejvakin; plus strand). Cytogenetic location: 2q31.2.
Variant type: Insertion.
Coding change: c.391_392insTA on transcript NM_001042702.5 (MANE Select); coding-DNA positions 391 to 392, TA inserted.
Protein change: p.Lys131fs; shifts the reading frame from lysine 131.
Molecular consequence: frameshift variant. On other transcripts: 5 prime UTR variant (2).
Genome position: GRCh38 VCF-style: chr2-178454510-C-CAT. GRCh37 (hg19) VCF-style: chr2-179319237-C-CAT.
Other names: c.400_401insTA, p.Lys134fs (NM_001353775.2); c.496_497insTA, p.Lys166fs (NM_001353776.2); c.-87_-86insTA (NM_001353777.1, NM_001353778.2); c.391_392insTA, p.Lys131fs (NM_001369912.1); short protein forms K131fs, K134fs, K166fs.
Identifiers: ClinVar variation 1935986 (VCV001935986.5), dbSNP rs1697927783, ClinGen allele CA1310481318.